The following is an entry in ClinVar:

NM_021625.5(TRPV4):c.2350A>G (p.Asn784Asp)

Gene: TRPV4 (transient receptor potential cation channel subfamily V member 4; minus strand). Cytogenetic location: 12q24.11.
Variant type: single nucleotide variant.
Coding change: c.2350A>G on transcript NM_021625.5 (MANE Select); coding-DNA position 2350, A replaced by G.
Protein change: p.Asn784Asp; replaces asparagine 784 with aspartic acid.
Molecular consequence: missense variant.
Genome position (GRCh38, 1-based): chr12:109,784,424, T>C on the plus strand (A>G on the coding strand, the complement: TRPV4 is on the minus strand). VCF-style: chr12-109784424-T-C. GRCh37 (hg19) VCF-style: chr12-110222229-T-C.
Other names: c.2209A>G, p.Asn737Asp (NM_001177428.2); c.2248A>G, p.Asn750Asp (NM_001177431.2); c.2029A>G, p.Asn677Asp (NM_001177433.2); c.2170A>G, p.Asn724Asp (NM_147204.3); short protein forms N677D, N724D, N737D, N750D, N784D.
Identifiers: ClinVar variation 2442757 (VCV002442757.2), dbSNP rs2548708904, ClinGen allele CA386648925.

ClinVar aggregate classification (germline): Uncertain significance. Review status: criteria provided, multiple submitters, no conflicts (2 of 4 stars). 2 submissions from 2 submitters: Uncertain significance (2). Last evaluated 2025-08-19.

Conditions:
Inborn genetic diseases. Identifiers: MedGen C0950123, MeSH D030342.

Allele frequency attached by ClinVar (database versions not stated): gnomAD exomes below 0.00001.
gnomAD v4.1: 2 of 1,614,132 alleles (0.00012%); highest among the groups gnomAD compares: East Asian, 0.0022%; no homozygotes.

Submissions (2):

Ambry Genetics
Classification: Uncertain significance for Inborn genetic diseases. Last evaluated: 2025-08-19. Review status: criteria provided, single submitter. Criteria: Ambry Variant Classification Scheme 2023. Collection method: clinical testing. Allele origin: germline.

GeneDx
Classification: Uncertain significance. Last evaluated: 2022-09-01. Review status: criteria provided, single submitter. Criteria: GeneDx Variant Classification Process June 2021. Collection method: clinical testing. Allele origin: germline. Affected: yes.
Comment: Not observed at significant frequency in large population cohorts (gnomAD); In silico analysis supports that this missense variant has a deleterious effect on protein structure/function; Has not been previously published as pathogenic or benign to our knowledge